The following is an entry in ClinVar:

ClinVar aggregate classification (germline): Pathogenic (1 of 4 stars; one submission).

Submission:

Quest Diagnostics Nichols Institute San Juan Capistrano
Classification: Pathogenic. Last evaluated: 2024-11-06. Review status: criteria provided, single submitter. Criteria: ACMG/ClinGen CNV Guidelines, 2019. Collection method: clinical testing. Allele origin: unknown.
Comment: This duplication involves at least 12 protein-coding genes and overlaps the region associated with 17p13.3 microduplication syndrome class I duplications (Bi 2009, Crippa 2019, Curry 2013, Da Silva 2022, Vittas 2023). In many instances, this duplication is inherited from an unaffected parent and variable expressivity has been noted (Armour 2011, Klopocki 2012, Nagata 2014, Petit 2014). Therefore, based on current medical literature, this copy number variant (CNV) is interpreted as pathogenic with reduced penetrance and variable expressivity. References: Armour et al., Eur J Hum Genet. 2011 Nov;19(11):1144-51. PMID: 21629300 Bi et al., Nat Genet. 2009 Feb;41(2):168-77. PMID: 19136950 Crippa et al., Front Genet. 2019 Oct 15;10:955. PMID: 31749829 Curry Et al., Am J Med Genet A. 2013 Aug; 161A(8): 1833–1852. PMID: 23813913 Da Silva et al., Biomedicines. 2022 Nov 30;10(12):3078. PMID: 36551834 Klopocki et al., J Med Genet. 2012 Feb;49(2):119-25. PMID: 22147889 Nagata et al., Orphanet J Rare Dis. 2014 Oct 21;9:125. PMID: 25351291 Petit et al., Clin Genet. 2014 May;85(5):464-9. PMID: 23790188 Vittas et al., Genes (Basel). 2023 Jun 24;14(7):1333. PMID: 37510238

GRCh37/hg19 17p13.3(chr17:1092566-1555778)x3

Genes: BHLHA9 (basic helix-loop-helix family member a9; plus strand), CRK (CRK proto-oncogene, adaptor protein; minus strand), INPP5K (inositol polyphosphate-5-phosphatase K; minus strand), MYO1C (myosin IC; minus strand), PITPNA (phosphatidylinositol transfer protein alpha; minus strand) and 6 more. Cytogenetic location: 17p13.3.
Variant type: copy number gain.
Change: copy number 3 (three copies instead of two) of chr17:1,092,566-1,555,778 (463.2 kb, GRCh37 coordinates, 1-based), cytogenetic band 17p13.3.
Identifiers: ClinVar variation 4682914 (VCV004682914.1).